The following is an entry in ClinVar:

ClinVar aggregate classification (germline): Uncertain significance (1 of 4 stars; one submission).

Conditions:
Hereditary cancer-predisposing syndrome. Also called: Neoplastic Syndromes, Hereditary; Tumor predisposition; Hereditary neoplastic syndrome; Hereditary Cancer Syndrome. Identifiers: Orphanet 140162, MedGen C0027672, MeSH D009386, MONDO:0015356.

Allele frequency attached by ClinVar (database versions not stated): gnomAD exomes below 0.00001; ExAC 0.00001.
gnomAD v4.1: 2 of 1,614,062 alleles (0.00012%); highest among the groups gnomAD compares: Non-Finnish European, 0.00017%; no homozygotes.

Submission:

Ambry Genetics
Classification: Uncertain significance for Hereditary cancer-predisposing syndrome. Last evaluated: 2023-02-19. Review status: criteria provided, single submitter. Criteria: Ambry Variant Classification Scheme 2023. Collection method: clinical testing. Allele origin: germline.
Comment: The p.S317T variant (also known as c.949T>A), located in coding exon 9 of the APC gene, results from a T to A substitution at nucleotide position 949. The serine at codon 317 is replaced by threonine, an amino acid with similar properties. This amino acid position is conserved. In addition, in silico predictors for this gene do not accurately predict pathogenicity. Since supporting evidence is limited at this time, the clinical significance of this alteration remains unclear.

NM_000038.6(APC):c.949T>A (p.Ser317Thr)

Gene: APC (APC regulator of Wnt signaling pathway; plus strand). Cytogenetic location: 5q22.2.
Variant type: single nucleotide variant.
Coding change: c.949T>A on transcript NM_000038.6 (MANE Select); coding-DNA position 949, T replaced by A.
Protein change: p.Ser317Thr; replaces serine 317 with threonine.
Molecular consequence: missense variant. On other transcripts: non-coding transcript variant (2), intron variant (15).
Genome position (GRCh38, 1-based): chr5:112,818,981, T>A. VCF-style: chr5-112818981-T-A. GRCh37 (hg19) VCF-style: chr5-112154678-T-A.
Other names: c.949T>A, p.Ser317Thr (NM_001127510.3, NM_001354895.2, NM_001354896.2 and 4 more transcripts); c.895T>A, p.Ser299Thr (NM_001127511.3); c.979T>A, p.Ser327Thr (NM_001354897.2, NM_001407446.1); c.874T>A, p.Ser292Thr (NM_001354898.2, NM_001407451.1); c.865T>A, p.Ser289Thr (NM_001354899.2, NM_001407452.1); c.772T>A, p.Ser258Thr (NM_001354900.2, NM_001354901.2, NM_001407453.1); c.100T>A, p.Ser34Thr (NM_001354906.2, NM_001407470.1); c.85-288T>A (NM_001407472.1, NM_001407471.1); and 5 more; short protein forms S258T, S292T, S289T, S299T, S317T, S327T, S34T.
Identifiers: ClinVar variation 2452756 (VCV002452756.2), dbSNP rs757545721, ClinGen allele CA051331.
Genomic context (GRCh38, chr5:112,818,981, plus strand): 5'-GATATTAAAGTCGTAATTTTGTTTCTAAACTCATTTGGCCCACAGGTGGAAATGGTGTAT[T>A]CATTGTTGTCAATGCTTGGTACTCATGATAAGGATGATATGTCGCGAACTTTGCTAGCTA-3'
Protein context (NP_000029.2, residues 307-327): HLGTKVEMVY[Ser317Thr]LLSMLGTHDK